The following is an entry in ClinVar:

NM_001145809.2(MYH14):c.580A>C (p.Ile194Leu)

Gene: MYH14 (myosin heavy chain 14; plus strand). Cytogenetic location: 19q13.33.
Variant type: single nucleotide variant.
Coding change: c.580A>C on transcript NM_001145809.2 (MANE Select); coding-DNA position 580, A replaced by C.
Protein change: p.Ile194Leu; replaces isoleucine 194 with leucine.
Molecular consequence: missense variant.
Genome position (GRCh38, 1-based): chr19:50,223,100, A>C. VCF-style: chr19-50223100-A-C. GRCh37 (hg19) VCF-style: chr19-50726357-A-C.
Other names: c.580A>C, p.Ile194Leu (NM_001077186.2, NM_024729.4); short protein forms I194L.
Identifiers: ClinVar variation 1219926 (VCV001219926.3), dbSNP rs754700188, ClinGen allele CA9592307.

ClinVar aggregate classification (germline): Uncertain significance (1 of 4 stars; one submission).

Allele frequency attached by ClinVar (database versions not stated): ExAC 0.00001; gnomAD exomes 0.00001; TOPMed 0.00001.

Submission:

GeneDx
Classification: Uncertain significance. Last evaluated: 2020-02-12. Review status: criteria provided, single submitter. Criteria: GeneDx Variant Classification Process June 2021. Collection method: clinical testing. Allele origin: germline. Affected: yes.
Comment: In silico analysis supports that this missense variant does not alter protein structure/function; Has not been previously published as pathogenic or benign to our knowledge